The following is an entry in ClinVar:

ClinVar aggregate classification (germline): Uncertain significance. Review status: criteria provided, multiple submitters, no conflicts (2 of 4 stars). 2 submissions from 2 submitters: Uncertain significance (2). Last evaluated 2025-02-03.

Conditions:
Inborn genetic diseases. Identifiers: MedGen C0950123, MeSH D030342.
Mosaic variegated aneuploidy syndrome 1 (MVA1). Also called: Warburton-Anyane-Yeboa syndrome. Identifiers: Orphanet 1052, MedGen C1850343, MONDO:0009759, OMIM 257300.

Submissions (2):

Ambry Genetics
Classification: Uncertain significance for Inborn genetic diseases. Last evaluated: 2025-02-03. Review status: criteria provided, single submitter. Criteria: Ambry Variant Classification Scheme 2023. Collection method: clinical testing. Allele origin: germline.
Comment: The p.G9D variant (also known as c.26G>A), located in coding exon 1 of the BUB1B gene, results from a G to A substitution at nucleotide position 26. The glycine at codon 9 is replaced by aspartic acid, an amino acid with similar properties. This amino acid position is conserved. In addition, this alteration is predicted to be tolerated by in silico analysis. Based on the available evidence, the clinical significance of this variant remains unclear.

Labcorp Genetics (formerly Invitae), Labcorp
Classification: Uncertain significance for Mosaic variegated aneuploidy syndrome 1. Last evaluated: 2023-02-22. Review status: criteria provided, single submitter. Criteria: Invitae Variant Classification Sherloc (09022015). Collection method: clinical testing. Allele origin: germline.
Comment: Algorithms developed to predict the effect of missense changes on protein structure and function output the following: SIFT: "Not Available"; PolyPhen-2: "Benign"; Align-GVGD: "Not Available". The aspartic acid amino acid residue is found in multiple mammalian species, which suggests that this missense change does not adversely affect protein function. In summary, the available evidence is currently insufficient to determine the role of this variant in disease. Therefore, it has been classified as a Variant of Uncertain Significance. This sequence change replaces glycine, which is neutral and non-polar, with aspartic acid, which is acidic and polar, at codon 9 of the BUB1B protein (p.Gly9Asp). This variant is not present in population databases (gnomAD no frequency). This variant has not been reported in the literature in individuals affected with BUB1B-related conditions.

NM_001211.6(BUB1B):c.26G>A (p.Gly9Asp)

Genes: BUB1B (BUB1 mitotic checkpoint serine/threonine kinase B; plus strand), LOC130056830 (ATAC-STARR-seq lymphoblastoid active region 9236; plus strand). Cytogenetic location: 15q15.1.
Variant type: single nucleotide variant.
Coding change: c.26G>A on transcript NM_001211.6 (MANE Select); coding-DNA position 26, G replaced by A.
Protein change: p.Gly9Asp; replaces glycine 9 with aspartic acid.
Molecular consequence: missense variant.
Genome position (GRCh38, 1-based): chr15:40,161,246, G>A. VCF-style: chr15-40161246-G-A. GRCh37 (hg19) VCF-style: chr15-40453447-G-A.
Other names: short protein forms G9D.
Identifiers: ClinVar variation 2984430 (VCV002984430.4), dbSNP rs768279736, ClinGen allele CA391676493.
Genomic context (GRCh38, chr15:40,161,246, plus strand): 5'-TGCAGCAGGACGAGGACCTGAGCCAGGAATGCAGGATGGCGGCGGTGAAGAAGGAAGGGG[G>A]TGCTCTGAGGTAGGTACGGGAGAAAGCTGCTGGGGGCTGGGCCTGAGAGGACACGGCCTG-3'
Protein context (NP_001202.5, residues 1-19): MAAVKKEG[Gly9Asp]ALSEAMSLEG